The following is an entry in ClinVar:

NM_001364857.2(ADGRB2):c.4022G>A (p.Arg1341Gln)

Gene: ADGRB2 (adhesion G protein-coupled receptor B2; minus strand). Cytogenetic location: 1p35.2.
Variant type: single nucleotide variant.
Coding change: c.4022G>A on transcript NM_001364857.2 (MANE Select); coding-DNA position 4022, G replaced by A.
Protein change: p.Arg1341Gln; replaces arginine 1341 with glutamine.
Molecular consequence: missense variant.
Genome position (GRCh38, 1-based): chr1:31,731,158, C>T on the plus strand (G>A on the coding strand, the complement: ADGRB2 is on the minus strand). VCF-style: chr1-31731158-C-T. GRCh37 (hg19) VCF-style: chr1-32196759-C-T.
Other names: c.4022G>A, p.Arg1341Gln (NM_001294335.2); c.3923G>A, p.Arg1308Gln (NM_001294336.2); short protein forms R1341Q, R1308Q.
Identifiers: ClinVar variation 4759651 (VCV004759651.1).

ClinVar aggregate classification (germline): Uncertain significance (1 of 4 stars; one submission).

gnomAD v4.1: 6 of 1,597,248 alleles (0.00038%); highest among the groups gnomAD compares: Admixed American, 0.0017%; no homozygotes.

Submission:

Labcorp Genetics (formerly Invitae), Labcorp
Classification: Uncertain significance. Last evaluated: 2025-10-21. Review status: criteria provided, single submitter. Criteria: Invitae Variant Classification Sherloc (09022015). Collection method: clinical testing. Allele origin: germline.
Comment: This sequence change replaces arginine, which is basic and polar, with glutamine, which is neutral and polar, at codon 1308 of the ADGRB2 protein (p.Arg1308Gln). The frequency data for this variant in the population databases is considered unreliable, as metrics indicate poor data quality at this position in the gnomAD database. This variant has not been reported in the literature in individuals affected with ADGRB2-related conditions. An algorithm developed to predict the effect of missense changes on protein structure and function outputs the following: PolyPhen-2: "Possibly Damaging". The glutamine amino acid residue is found in multiple mammalian species, which suggests that this missense change does not adversely affect protein function. In summary, the available evidence is currently insufficient to determine the role of this variant in disease. Therefore, it has been classified as a Variant of Uncertain Significance.